The following is an entry in ClinVar:

ClinVar aggregate classification (germline): Likely benign (0 of 4 stars; one submission).

Conditions:
PCNT-related disorder. Also called: PCNT-related condition.

Submission:

PreventionGenetics, part of Exact Sciences
Classification: Likely benign for PCNT-related condition. Last evaluated: 2024-09-09. Review status: no assertion criteria provided. Collection method: clinical testing. Allele origin: germline.
Comment: This variant is classified as likely benign based on ACMG/AMP sequence variant interpretation guidelines (Richards et al. 2015 PMID: 25741868, with internal and published modifications).

NM_006031.6(PCNT):c.1212C>T (p.Ala404=)

Gene: PCNT (pericentrin; plus strand). Cytogenetic location: 21q22.3.
Variant type: single nucleotide variant.
Coding change: c.1212C>T on transcript NM_006031.6 (MANE Select); coding-DNA position 1212, C replaced by T.
Protein change: p.Ala404=; no amino-acid change (alanine 404 retained).
Molecular consequence: synonymous variant.
Genome position (GRCh38, 1-based): chr21:46,349,688, C>T. VCF-style: chr21-46349688-C-T. GRCh37 (hg19) VCF-style: chr21-47769602-C-T.
Other names: c.858C>T, p.Ala286= (NM_001315529.2).
Identifiers: ClinVar variation 3347369 (VCV003347369.1).